The following is an entry in ClinVar:

ClinVar aggregate classification (germline): Conflicting classifications of pathogenicity. Review status: criteria provided, conflicting classifications (1 of 4 stars). 3 submissions from 3 submitters: Uncertain significance (2); Likely benign (1). Last evaluated 2025-10-06.

Allele frequency attached by ClinVar (database versions not stated): gnomAD 0.00002 and 0.00005; TOPMed 0.00003; gnomAD exomes 0.00004 and 0.00007; ExAC 0.00010; 1000 Genomes Project 30x 0.00016.
gnomAD v4.1: 65 of 1,563,600 alleles (0.0042%); highest among the groups gnomAD compares: East Asian, 0.084%; no homozygotes.

Submissions (3):

Labcorp Genetics (formerly Invitae), Labcorp
Classification: Uncertain significance. Last evaluated: 2025-10-06. Review status: criteria provided, single submitter. Criteria: Invitae Variant Classification Sherloc (09022015). Collection method: clinical testing. Allele origin: germline.
Comment: This sequence change falls in intron 2 of the IHH gene. It does not directly change the encoded amino acid sequence of the IHH protein. It affects a nucleotide within the consensus splice site. This variant is present in population databases (rs780845880, gnomAD 0.06%). This variant has not been reported in the literature in individuals affected with IHH-related conditions. ClinVar contains an entry for this variant (Variation ID: 809162). Variants that disrupt the consensus splice site are a relatively common cause of aberrant splicing (PMID: 17576681, 9536098). Algorithms developed to predict the effect of sequence changes on RNA splicing suggest that this variant is not likely to affect RNA splicing. In summary, the available evidence is currently insufficient to determine the role of this variant in disease. Therefore, it has been classified as a Variant of Uncertain Significance.

Blueprint Genetics
Classification: Likely benign. Last evaluated: 2024-10-07. Review status: criteria provided, single submitter. Criteria: ACMG Guidelines, 2015. Collection method: clinical testing. Allele origin: germline.

CeGaT Center for Human Genetics Tuebingen
Classification: Uncertain significance. Last evaluated: 2018-12-01. Review status: criteria provided, single submitter. Criteria: CeGaT Center For Human Genetics Tuebingen Variant Classification Criteria Version 2. Collection method: clinical testing. Allele origin: germline. Affected: yes. Observed: 1 variant allele.

Literature cited by the submitters: PubMed 17576681 (cited by Labcorp Genetics (formerly Invitae), Labcorp); PubMed 9536098 (cited by Labcorp Genetics (formerly Invitae), Labcorp).

NM_002181.4(IHH):c.577+3G>A

Gene: IHH (Indian hedgehog signaling molecule; minus strand). Cytogenetic location: 2q35.
Variant type: single nucleotide variant.
Coding change: c.577+3G>A on transcript NM_002181.4 (MANE Select); 3 bases into the intron after coding-DNA position 577, G replaced by A.
Molecular consequence: intron variant.
Genome position (GRCh38, 1-based): chr2:219,057,430, C>T on the plus strand (G>A on the coding strand, the complement: IHH is on the minus strand). VCF-style: chr2-219057430-C-T. GRCh37 (hg19) VCF-style: chr2-219922152-C-T.
Identifiers: ClinVar variation 809162 (VCV000809162.48), dbSNP rs780845880, ClinGen allele CA2116685.